The following is an entry in ClinVar:

ClinVar aggregate classification (germline): Likely pathogenic (1 of 4 stars; one submission).

Conditions:
Developmental delay with autism spectrum disorder and gait instability (MRT38). Also called: Intellectual developmental disorder, autosomal recessive 38. Identifiers: Orphanet 329195, MedGen C3809753, MONDO:0014224, OMIM 615516.

Submission:

Juno Genomics, Hangzhou Juno Genomics, Inc
Classification: Likely pathogenic for Developmental delay with autism spectrum disorder and gait instability. Review status: criteria provided, single submitter. Criteria: ACMG Guidelines, 2015. Collection method: clinical testing. Allele origin: germline.
Comment: Null variant in a gene where loss of function (LOF) is a known mechanism of disease.;Absent from controls (or at extremely low frequency if recessive) in Genome Aggregation Database.

NM_004667.6(HERC2):c.11840_11841del (p.Ser3947fs)

Gene: HERC2 (HECT and RLD domain containing E3 ubiquitin protein ligase 2; minus strand). Cytogenetic location: 15q13.1.
Variant type: Microsatellite.
Coding change: c.11840_11841del on transcript NM_004667.6 (MANE Select); coding-DNA positions 11840 to 11841, 2 bases deleted (CT; older notation c.11840_11841delCT).
Protein change: p.Ser3947fs; shifts the reading frame from serine 3947.
Molecular consequence: frameshift variant.
Genome position (GRCh38, 1-based): chr15:28,141,606-28,141,607, AG deleted on the plus strand (CT on the coding strand, the reverse complement: HERC2 is on the minus strand); deleting any 2 consecutive bases within chr15:28,141,606-28,141,613 gives the same sequence; the c. name uses the placement nearest the transcript's 3' end. VCF-style (leftmost placement, unchanged base first): chr15-28141605-CAG-C. GRCh37 (hg19) VCF-style: chr15-28386751-CAG-C.
Other names: short protein forms S3947fs.
Identifiers: ClinVar variation 5005379 (VCV005005379.2).